The following is an entry in ClinVar:

NM_001388492.1(HTT):c.6606G>C (p.Trp2202Cys)

Gene: HTT (huntingtin; plus strand). Cytogenetic location: 4p16.3.
Variant type: single nucleotide variant.
Coding change: c.6606G>C on transcript NM_001388492.1 (MANE Select); coding-DNA position 6606, G replaced by C.
Protein change: p.Trp2202Cys; replaces tryptophan 2202 with cysteine.
Molecular consequence: missense variant.
Genome position (GRCh38, 1-based): chr4:3,212,120, G>C. VCF-style: chr4-3212120-G-C. GRCh37 (hg19) VCF-style: chr4-3213847-G-C.
Other names: c.6612G>C, p.Trp2204Cys (NM_002111.8); short protein forms W2204C, W2202C.
Identifiers: ClinVar variation 1426620 (VCV001426620.6), dbSNP rs1180957296, ClinGen allele CA356090636.

ClinVar aggregate classification (germline): Uncertain significance (1 of 4 stars; one submission).

Allele frequency attached by ClinVar (database versions not stated): gnomAD exomes below 0.00001; TOPMed below 0.00001.
gnomAD v4.1: 2 of 1,613,224 alleles (0.00012%); highest among the groups gnomAD compares: Non-Finnish European, 0.00017%; no homozygotes.

Submission:

Labcorp Genetics (formerly Invitae), Labcorp
Classification: Uncertain significance. Last evaluated: 2022-02-02. Review status: criteria provided, single submitter. Criteria: Invitae Variant Classification Sherloc (09022015). Collection method: clinical testing. Allele origin: germline.
Comment: This variant has not been reported in the literature in individuals affected with HTT-related conditions. In summary, the available evidence is currently insufficient to determine the role of this variant in disease. Therefore, it has been classified as a Variant of Uncertain Significance. Experimental studies and prediction algorithms are not available or were not evaluated, and the functional significance of this variant is currently unknown. This variant is present in population databases (no rsID available, gnomAD 0.0009%). This sequence change replaces tryptophan, which is neutral and slightly polar, with cysteine, which is neutral and slightly polar, at codon 2204 of the HTT protein (p.Trp2204Cys).